The following is an entry in ClinVar:

NM_014975.3(MAST1):c.2504C>T (p.Ala835Val)

Genes: MAST1 (microtubule associated serine/threonine kinase 1; plus strand), LOC112543452 (Sharpr-MPRA regulatory region 6054; plus strand). Cytogenetic location: 19p13.13.
Variant type: single nucleotide variant.
Coding change: c.2504C>T on transcript NM_014975.3 (MANE Select); coding-DNA position 2504, C replaced by T.
Protein change: p.Ala835Val; replaces alanine 835 with valine.
Molecular consequence: missense variant.
Genome position (GRCh38, 1-based): chr19:12,867,915, C>T. VCF-style: chr19-12867915-C-T. GRCh37 (hg19) VCF-style: chr19-12978729-C-T.
Other names: short protein forms A835V.
Identifiers: ClinVar variation 2108989 (VCV002108989.4), dbSNP rs771251466, ClinGen allele CA9233161.
Genomic context (GRCh38, chr19:12,867,915, plus strand): 5'-ATGAGGCCCGGCTGCGCAGGCCTCCCCGGCCCAGCTCCGACCCCGCGGGATCCCTGGATG[C>T]ACGGGCCCCCAAAGAGGAGACTCAAGGGGAAGGCACCTCCAGCGCCGGGGACTCCGAGGC-3'
Protein context (NP_055790.1, residues 825-845): PSSDPAGSLD[Ala835Val]RAPKEETQGE

ClinVar aggregate classification (germline): Uncertain significance (1 of 4 stars; one submission).

Allele frequency attached by ClinVar (database versions not stated): TOPMed 0.00002.
gnomAD v4.1: 7 of 1,600,224 alleles (0.00044%); highest among the groups gnomAD compares: Admixed American, 0.012%; no homozygotes.

Submission:

Labcorp Genetics (formerly Invitae), Labcorp
Classification: Uncertain significance. Last evaluated: 2022-08-02. Review status: criteria provided, single submitter. Criteria: Invitae Variant Classification Sherloc (09022015). Collection method: clinical testing. Allele origin: germline.
Comment: In summary, the available evidence is currently insufficient to determine the role of this variant in disease. Therefore, it has been classified as a Variant of Uncertain Significance. Algorithms developed to predict the effect of missense changes on protein structure and function output the following: SIFT: "Tolerated"; PolyPhen-2: "Benign"; Align-GVGD: "Class C0". The valine amino acid residue is found in multiple mammalian species, which suggests that this missense change does not adversely affect protein function. This variant has not been reported in the literature in individuals affected with MAST1-related conditions. This variant is present in population databases (rs771251466, gnomAD 0.02%). This sequence change replaces alanine, which is neutral and non-polar, with valine, which is neutral and non-polar, at codon 835 of the MAST1 protein (p.Ala835Val).